The following is an entry in ClinVar:

ClinVar aggregate classification (germline): Uncertain significance (1 of 4 stars; one submission).

Submission:

Ambry Genetics
Classification: Uncertain significance. Last evaluated: 2022-09-26. Review status: criteria provided, single submitter. Criteria: Ambry Variant Classification Scheme 2023. Collection method: clinical testing. Allele origin: germline.
Comment: The p.E1993G variant (also known as c.5978A>G), located in coding exon 44 of the PRKDC gene, results from an A to G substitution at nucleotide position 5978. The glutamic acid at codon 1993 is replaced by glycine, an amino acid with similar properties. This amino acid position is conserved. Since supporting evidence is limited at this time, the clinical significance of this alteration remains unclear.

NM_006904.7(PRKDC):c.5978A>G (p.Glu1993Gly)

Gene: PRKDC (protein kinase, DNA-activated, catalytic subunit; minus strand). Cytogenetic location: 8q11.21.
Variant type: single nucleotide variant.
Coding change: c.5978A>G on transcript NM_006904.7 (MANE Select); coding-DNA position 5978, A replaced by G.
Protein change: p.Glu1993Gly; replaces glutamic acid 1993 with glycine.
Molecular consequence: missense variant.
Genome position (GRCh38, 1-based): chr8:47,862,069, T>C on the plus strand (A>G on the coding strand, the complement: PRKDC is on the minus strand). VCF-style: chr8-47862069-T-C. GRCh37 (hg19) VCF-style: chr8-48774630-T-C.
Other names: c.5978A>G, p.Glu1993Gly (NM_001081640.2); short protein forms E1993G.
Identifiers: ClinVar variation 1750803 (VCV001750803.2), dbSNP rs2551870576, ClinGen allele CA371161846.